The following is an entry in ClinVar:

ClinVar aggregate classification (germline): Conflicting classifications of pathogenicity. Review status: criteria provided, conflicting classifications (1 of 4 stars). 5 submissions from 5 submitters: Uncertain significance (4); Likely benign (1). Last evaluated 2025-11-21.

Conditions:
Hereditary cancer-predisposing syndrome. Also called: Hereditary neoplastic syndrome; Neoplastic Syndromes, Hereditary; Tumor predisposition; Hereditary Cancer Syndrome. Identifiers: Orphanet 140162, MedGen C0027672, MeSH D009386, MONDO:0015356.
Hereditary breast ovarian cancer syndrome. Also called: Hereditary breast and/or ovarian cancer syndrome; BRCA1- and BRCA2-Associated Hereditary Breast and Ovarian Cancer; Hereditary breast and ovarian cancer; Breast and ovarian cancer; Hereditary breast and ovarian cancer syndrome; Hereditary breast and ovarian cancer syndrome (HBOC). Identifiers: Orphanet 145, MedGen C0677776, MeSH D061325, MONDO:0003582. Disease mechanism: loss of function.
Breast-ovarian cancer, familial, susceptibility to, 2 (BROVCA2). Also called: BRCA2 Hereditary Breast and Ovarian Cancer. Identifiers: Orphanet 145, MedGen C2675520, MONDO:0012933, OMIM 612555. Disease mechanism: loss of function.
Familial cancer of breast. Also called: BREAST CANCER, FAMILIAL; hereditary breast carcinoma; Hereditary breast cancer. Identifiers: Orphanet 227535, MedGen C0346153, MONDO:0016419, OMIM 114480. Disease mechanism: loss of function.

Submissions (5):

Labcorp Genetics (formerly Invitae), Labcorp
Classification: Uncertain significance for Hereditary breast ovarian cancer syndrome. Last evaluated: 2025-11-21. Review status: criteria provided, single submitter. Criteria: Invitae Variant Classification Sherloc (09022015). Collection method: clinical testing. Allele origin: germline.
Comment: This sequence change replaces proline, which is neutral and non-polar, with histidine, which is basic and polar, at codon 2532 of the BRCA2 protein (p.Pro2532His). This variant is not present in population databases (gnomAD no frequency). This variant has not been reported in the literature in individuals affected with BRCA2-related conditions. ClinVar contains an entry for this variant (Variation ID: 462448). Invitae Evidence Modeling of protein sequence and biophysical properties (such as structural, functional, and spatial information, amino acid conservation, physicochemical variation, residue mobility, and thermodynamic stability) indicates that this missense variant is not expected to disrupt BRCA2 protein function with a negative predictive value of 95%. In summary, the available evidence is currently insufficient to determine the role of this variant in disease. Therefore, it has been classified as a Variant of Uncertain Significance.

Ambry Genetics
Classification: Likely benign for Hereditary cancer-predisposing syndrome. Last evaluated: 2025-05-15. Review status: criteria provided, single submitter. Criteria: Ambry Variant Classification Scheme 2023. Collection method: clinical testing. Allele origin: germline.

Baylor Genetics
Classification: Uncertain significance for Familial cancer of breast. Last evaluated: 2023-10-03. Review status: criteria provided, single submitter. Criteria: ACMG Guidelines, 2015. Collection method: clinical testing. Allele origin: unknown.

All of Us Research Program, National Institutes of Health
Classification: Uncertain significance for Breast-ovarian cancer, familial, susceptibility to, 2. Last evaluated: 2023-04-03. Review status: criteria provided, single submitter. Criteria: ACMG Guidelines, 2015. Collection method: clinical testing. Allele origin: germline. Inheritance: Autosomal dominant inheritance. Observed: 2 variant alleles, 2 heterozygotes.
Comment: This missense variant replaces proline with histidine at codon 2532 of the BRCA2 protein. Computational prediction suggests that this variant may have deleterious impact on protein structure and function (internally defined REVEL score threshold >= 0.7, PMID: 27666373). A functional study that measured responses to PARP inhibitors has shown inconclusive impact of this variant on BRCA2 function (PMID: 3244479). This variant has not been reported in individuals affected with hereditary cancer in the literature. This variant has not been identified in the general population by the Genome Aggregation Database (gnomAD). The available evidence is insufficient to determine the role of this variant in disease conclusively. Therefore, this variant is classified as a Variant of Uncertain Significance.

This study involves interpretation of variants in research participants for the purpose of population health screening. Participant phenotype was not available at the time of variant classification. Additional details can be found in publication PMID: 35346344, PMCID: PMC8962531

Women's Health and Genetics/Laboratory Corporation of America, LabCorp
Classification: Uncertain significance. Last evaluated: 2020-08-13. Review status: criteria provided, single submitter. Criteria: LabCorp Variant Classification Summary - May 2015. Collection method: clinical testing. Allele origin: germline.
Comment: Variant summary: BRCA2 c.7595C>A (p.Pro2532His) results in a non-conservative amino acid change located in the helical domain (IPR015252) of the encoded protein sequence. Five of five in-silico tools predict a damaging effect of the variant on protein function. The variant was absent in 250894 control chromosomes (gnomAD). The available data on variant occurrences in the general population are insufficient to allow any conclusion about variant significance. To our knowledge, no occurrence of c.7595C>A in individuals affected with Hereditary Breast and Ovarian Cancer Syndrome and no experimental evidence demonstrating its impact on protein function have been reported. Two clinical diagnostic laboratories have submitted clinical-significance assessments for this variant to ClinVar after 2014 without evidence for independent evaluation. All laboratories classified the variant as uncertain significance. Based on the evidence outlined above, the variant was classified as uncertain significance.

Literature cited by the submitters: PubMed 3244479 (cited by All of Us Research Program, National Institutes of Health).

NM_000059.4(BRCA2):c.7595C>A (p.Pro2532His)

Gene: BRCA2 (BRCA2 DNA repair associated; plus strand). Cytogenetic location: 13q13.1.
Variant type: single nucleotide variant.
Coding change: c.7595C>A on transcript NM_000059.4 (MANE Select); coding-DNA position 7595, C replaced by A.
Protein change: p.Pro2532His; replaces proline 2532 with histidine.
Molecular consequence: missense variant.
Genome position (GRCh38, 1-based): chr13:32,356,587, C>A. VCF-style: chr13-32356587-C-A. GRCh37 (hg19) VCF-style: chr13-32930724-C-A.
Other names: short protein forms P2532H.
Identifiers: ClinVar variation 462448 (VCV000462448.16), dbSNP rs967458408, ClinGen allele CA247470136.